The following is an entry in ClinVar:

ClinVar aggregate classification (germline): Uncertain significance. Review status: criteria provided, multiple submitters, no conflicts (2 of 4 stars). 2 submissions from 2 submitters: Uncertain significance (2). Last evaluated 2026-05-23.

Conditions:
Hereditary cancer-predisposing syndrome. Also called: Hereditary neoplastic syndrome; Neoplastic Syndromes, Hereditary; Tumor predisposition; Hereditary Cancer Syndrome. Identifiers: Orphanet 140162, MedGen C0027672, MeSH D009386, MONDO:0015356.
Familial adenomatous polyposis 1 (FAP1). Also called: FAMILIAL ADENOMATOUS POLYPOSIS 1, ATTENUATED; POLYPOSIS, ADENOMATOUS INTESTINAL. Identifiers: MedGen C2713442, MONDO:0021056, OMIM 175100. Disease mechanism: loss of function.

Allele frequency attached by ClinVar (database versions not stated): gnomAD 0.00001.
gnomAD v4.1: 1 of 1,613,890 alleles (0.000062%); highest among the groups gnomAD compares: South Asian, 0.0011%; no homozygotes.

Submissions (2):

Ambry Genetics
Classification: Uncertain significance for Hereditary cancer-predisposing syndrome. Last evaluated: 2026-05-23. Review status: criteria provided, single submitter. Criteria: Ambry Variant Classification Scheme 2023. Collection method: clinical testing. Allele origin: germline.
Comment: The p.A1945V variant (also known as c.5834C>T), located in coding exon 15 of the APC gene, results from a C to T substitution at nucleotide position 5834. The alanine at codon 1945 is replaced by valine, an amino acid with similar properties. This amino acid position is conserved. In addition, in silico predictors for this gene do not accurately predict pathogenicity. Based on the available evidence, the clinical significance of this variant remains unclear.

Labcorp Genetics (formerly Invitae), Labcorp
Classification: Uncertain significance for Familial adenomatous polyposis 1. Last evaluated: 2020-02-03. Review status: criteria provided, single submitter. Criteria: Invitae Variant Classification Sherloc (09022015). Collection method: clinical testing. Allele origin: germline.
Comment: This variant has not been reported in the literature in individuals with APC-related conditions. In summary, the available evidence is currently insufficient to determine the role of this variant in disease. Therefore, it has been classified as a Variant of Uncertain Significance. Algorithms developed to predict the effect of missense changes on protein structure and function (SIFT, PolyPhen-2, Align-GVGD) all suggest that this variant is likely to be tolerated, but these predictions have not been confirmed by published functional studies and their clinical significance is uncertain. This variant is not present in population databases (ExAC no frequency). This sequence change replaces alanine with valine at codon 1945 of the APC protein (p.Ala1945Val). The alanine residue is highly conserved and there is a small physicochemical difference between alanine and valine.

NM_000038.6(APC):c.5834C>T (p.Ala1945Val)

Gene: APC (APC regulator of Wnt signaling pathway; plus strand). Cytogenetic location: 5q22.2.
Variant type: single nucleotide variant.
Coding change: c.5834C>T on transcript NM_000038.6 (MANE Select); coding-DNA position 5834, C replaced by T.
Protein change: p.Ala1945Val; replaces alanine 1945 with valine.
Molecular consequence: missense variant.
Genome position (GRCh38, 1-based): chr5:112,841,428, C>T. VCF-style: chr5-112841428-C-T. GRCh37 (hg19) VCF-style: chr5-112177125-C-T.
Other names: c.5780C>T, p.Ala1927Val (NM_001127511.3); c.5834C>T, p.Ala1945Val (NM_001354895.2, NM_001127510.3); c.5888C>T, p.Ala1963Val (NM_001354896.2); c.5864C>T, p.Ala1955Val (NM_001354897.2); c.5759C>T, p.Ala1920Val (NM_001354898.2); c.5750C>T, p.Ala1917Val (NM_001354899.2); c.5711C>T, p.Ala1904Val (NM_001354900.2); c.5657C>T, p.Ala1886Val (NM_001354901.2); and 6 more; short protein forms A1662V, A1785V, A1819V, A1844V, A1854V, A1886V, A1904V, A1917V.
Identifiers: ClinVar variation 1064390 (VCV001064390.11), dbSNP rs1766060950, ClinGen allele CA16034095.